The following is an entry in ClinVar:

NM_032447.5(FBN3):c.412C>T (p.Gln138Ter)

Gene: FBN3 (fibrillin 3; minus strand). Cytogenetic location: 19p13.2.
Variant type: single nucleotide variant.
Coding change: c.412C>T on transcript NM_032447.5 (MANE Select); coding-DNA position 412, C replaced by T.
Protein change: p.Gln138Ter; replaces glutamine 138 with a stop codon.
Molecular consequence: nonsense.
Genome position (GRCh38, 1-based): chr19:8,145,876, G>A on the plus strand (C>T on the coding strand, the complement: FBN3 is on the minus strand). VCF-style: chr19-8145876-G-A. GRCh37 (hg19) VCF-style: chr19-8210760-G-A.
Other names: c.412C>T, p.Gln138Ter (NM_001321431.2); short protein forms Q138*.
Identifiers: ClinVar variation 4752219 (VCV004752219.1).
Genomic context (GRCh38, chr19:8,145,876, plus strand): 5'-AGAGGGGAGTCCCATGGGGATACTCACGCTGCCCACACACGGTGCCTGTGTAGCCCTTCT[G>A]ACACAGACAGGACGCCCCCCGGCAGGTGCCCCCATTCATACAGCTCACACTGCACCCTGA-3'

ClinVar aggregate classification (germline): Uncertain significance (1 of 4 stars; one submission).

gnomAD v4.1: 139 of 1,551,032 alleles (0.009%); highest among the groups gnomAD compares: Non-Finnish European, 0.011%; no homozygotes.

Submission:

Labcorp Genetics (formerly Invitae), Labcorp
Classification: Uncertain significance. Last evaluated: 2025-06-20. Review status: criteria provided, single submitter. Criteria: Invitae Variant Classification Sherloc (09022015). Collection method: clinical testing. Allele origin: germline.
Comment: This sequence change creates a premature translational stop signal (p.Gln138*) in the FBN3 gene. It is expected to result in an absent or disrupted protein product. However, the current clinical and genetic evidence is not sufficient to establish whether loss-of-function variants in FBN3 cause disease. This variant is present in population databases (rs766189269, gnomAD 0.02%). This variant has not been reported in the literature in individuals affected with FBN3-related conditions. Algorithms developed to predict the effect of sequence changes on RNA splicing suggest that this variant may disrupt the consensus splice site. In summary, the available evidence is currently insufficient to determine the role of this variant in disease. Therefore, it has been classified as a Variant of Uncertain Significance.